The following is an entry in ClinVar:

NM_000053.4(ATP7B):c.2588del (p.Pro863fs)

Gene: ATP7B (ATPase copper transporting beta; minus strand). Cytogenetic location: 13q14.3.
Variant type: Deletion.
Coding change: c.2588del on transcript NM_000053.4 (MANE Select); coding-DNA position 2588, one base deleted (C; older notation c.2588delC).
Protein change: p.Pro863fs; shifts the reading frame from proline 863.
Molecular consequence: frameshift variant.
Genome position (GRCh38, 1-based): chr13:51,950,149, G deleted on the plus strand (C on the coding strand, the reverse complement: ATP7B is on the minus strand); the first of 2 consecutive G bases (chr13:51,950,149-51,950,150); deleting either gives the same sequence. VCF-style (leftmost placement, unchanged base first): chr13-51950148-TG-T. GRCh37 (hg19) VCF-style: chr13-52524284-TG-T.
Other names: c.2588delC (NM_000053.3); c.2102del, p.Pro701fs (NM_001005918.3); c.2255del, p.Pro752fs (NM_001243182.2); c.2354del, p.Pro785fs (NM_001330578.2); c.2336del, p.Pro779fs (NM_001330579.2); c.2588del (NM_000053.3); short protein forms P701fs, P779fs, P785fs, P752fs, P863fs.
Identifiers: ClinVar variation 1434876 (VCV001434876.10), dbSNP rs2139212289, ClinGen allele CA2573149693.

ClinVar aggregate classification (germline): Pathogenic/Likely pathogenic. Review status: criteria provided, multiple submitters, no conflicts (2 of 4 stars). 5 submissions from 5 submitters: Pathogenic (3); Likely pathogenic (2). Last evaluated 2026-10-23.

Conditions:
Wilson disease (WND). Also called: Wilson's disease. Identifiers: Orphanet 905, MedGen C0019202, MONDO:0010200, OMIM 277900. Disease mechanism: loss of function.

Submissions (5):

GeneDx
Classification: Pathogenic. Last evaluated: 2026-10-23. Review status: criteria provided, single submitter. Criteria: GeneDx Variant Classification Process June 2021. Collection method: clinical testing. Allele origin: germline.
Comment: Frameshift variant predicted to result in protein truncation or nonsense mediated decay in a gene for which loss of function is a known mechanism of disease; Not observed at significant frequency in large population cohorts (gnomAD); Has not been previously published as pathogenic or benign to our knowledge

Natera, Inc.
Classification: Likely pathogenic for Wilson disease. Last evaluated: 2026-01-13. Review status: criteria provided, single submitter. Criteria: Natera Variant Classification Schema (03/2026). Collection method: clinical testing. Allele origin: germline.
Comment: The c.2588delC variant in ATP7B is a frameshift variant predicted to shift the reading frame beginning at codon 863 and leads to a stop codon 10 codons downstream. This variant is expected to result in nonsense mediated decay, truncation, or a dysfunctional protein product. This variant is rare in the general population with a frequency below the threshold expected for the associated phenotype(s). Given the available evidence, this variant is classified as Likely Pathogenic.

Color Diagnostics, LLC DBA Color Health
Classification: Pathogenic for Wilson disease. Last evaluated: 2025-10-09. Review status: criteria provided, single submitter. Criteria: ACMG Guidelines, 2015. Collection method: clinical testing. Allele origin: germline.
Comment: This variant deletes 1 nucleotide in exon 11 of the ATP7B gene, creating a frameshift and premature translation stop signal. This variant is expected to result in an absent or non-functional protein product. To our knowledge, this variant has not been reported in individuals affected with ATP7B-related disorders in the literature. This variant has not been identified in the general population by the Genome Aggregation Database (gnomAD). Loss of ATP7B function is a known mechanism of disease. Based on the available evidence, this variant is classified as Pathogenic.

Labcorp Genetics (formerly Invitae), Labcorp
Classification: Pathogenic for Wilson disease. Last evaluated: 2025-02-06. Review status: criteria provided, single submitter. Criteria: Invitae Variant Classification Sherloc (09022015). Collection method: clinical testing. Allele origin: germline.
Comment: This sequence change creates a premature translational stop signal (p.Pro863Glnfs*10) in the ATP7B gene. It is expected to result in an absent or disrupted protein product. Loss-of-function variants in ATP7B are known to be pathogenic (PMID: 10441329, 16283883). This variant is not present in population databases (gnomAD no frequency). This variant has not been reported in the literature in individuals affected with ATP7B-related conditions. ClinVar contains an entry for this variant (Variation ID: 1434876). For these reasons, this variant has been classified as Pathogenic.

Baylor Genetics
Classification: Likely pathogenic for Wilson disease. Last evaluated: 2023-11-21. Review status: criteria provided, single submitter. Criteria: ACMG Guidelines, 2015. Collection method: clinical testing. Allele origin: unknown.

Literature cited by the submitters: PubMed 10441329 (cited by Labcorp Genetics (formerly Invitae), Labcorp); PubMed 16283883 (cited by Labcorp Genetics (formerly Invitae), Labcorp).